The following is an entry in ClinVar:

ClinVar aggregate classification (germline): Uncertain significance (1 of 4 stars; one submission).

Submission:

Labcorp Genetics (formerly Invitae), Labcorp
Classification: Uncertain significance. Last evaluated: 2022-08-16. Review status: criteria provided, single submitter. Criteria: Invitae Variant Classification Sherloc (09022015). Collection method: clinical testing. Allele origin: germline.
Comment: This sequence change replaces phenylalanine, which is neutral and non-polar, with serine, which is neutral and polar, at codon 158 of the SLC45A2 protein (p.Phe158Ser). In summary, the available evidence is currently insufficient to determine the role of this variant in disease. Therefore, it has been classified as a Variant of Uncertain Significance. Algorithms developed to predict the effect of missense changes on protein structure and function are either unavailable or do not agree on the potential impact of this missense change (SIFT: "Not Available"; PolyPhen-2: "Probably Damaging"; Align-GVGD: "Not Available"). This variant has not been reported in the literature in individuals affected with SLC45A2-related conditions. Information on the frequency of this variant in the gnomAD database is not available, as this variant may be reported differently in the database.

NM_016180.5(SLC45A2):c.473_474delinsCT (p.Phe158Ser)

Gene: SLC45A2 (solute carrier family 45 member 2; minus strand). Cytogenetic location: 5p13.2.
Variant type: Indel.
Coding change: c.473_474delinsCT on transcript NM_016180.5 (MANE Select); coding-DNA positions 473 to 474, TC replaced by CT.
Protein change: p.Phe158Ser; replaces phenylalanine 158 with serine.
Molecular consequence: missense variant.
Genome position (GRCh38, 1-based): chr5:33,982,324-33,982,325, GA replaced by AG on the plus strand (TC replaced by CT on the coding strand, the reverse complement: SLC45A2 is on the minus strand). VCF-style: chr5-33982324-GA-AG. GRCh37 (hg19) VCF-style: chr5-33982429-GA-AG.
Other names: c.473_474delinsCT, p.Phe158Ser (NM_001012509.4, NM_001297417.4); short protein forms F158S.
Identifiers: ClinVar variation 2121845 (VCV002121845.4), dbSNP rs2478912330, ClinGen allele CA2580073168.